The following is an entry in ClinVar:

ClinVar aggregate classification (germline): Uncertain significance (1 of 4 stars; one submission).

Allele frequency attached by ClinVar (database versions not stated): gnomAD 0.00001; gnomAD exomes 0.00001; TOPMed 0.00001.
gnomAD v4.1: 5 of 1,614,120 alleles (0.00031%); highest among the groups gnomAD compares: Admixed American, 0.0017%; no homozygotes.

Submission:

Labcorp Genetics (formerly Invitae), Labcorp
Classification: Uncertain significance. Last evaluated: 2022-08-22. Review status: criteria provided, single submitter. Criteria: Invitae Variant Classification Sherloc (09022015). Collection method: clinical testing. Allele origin: germline.
Comment: In summary, the available evidence is currently insufficient to determine the role of this variant in disease. Therefore, it has been classified as a Variant of Uncertain Significance. Algorithms developed to predict the effect of missense changes on protein structure and function are either unavailable or do not agree on the potential impact of this missense change (SIFT: "Deleterious"; PolyPhen-2: "Benign"; Align-GVGD: "Class C55"). This variant has not been reported in the literature in individuals affected with WHSC1-related conditions. This variant is not present in population databases (gnomAD no frequency). This sequence change replaces valine, which is neutral and non-polar, with alanine, which is neutral and non-polar, at codon 731 of the WHSC1 protein (p.Val731Ala).

NM_001042424.3(NSD2):c.2192T>C (p.Val731Ala)

Gene: NSD2 (nuclear receptor binding SET domain protein 2; plus strand). Cytogenetic location: 4p16.3.
Variant type: single nucleotide variant.
Coding change: c.2192T>C on transcript NM_001042424.3 (MANE Select); coding-DNA position 2192, T replaced by C.
Protein change: p.Val731Ala; replaces valine 731 with alanine.
Molecular consequence: missense variant.
Genome position (GRCh38, 1-based): chr4:1,953,378, T>C. VCF-style: chr4-1953378-T-C. GRCh37 (hg19) VCF-style: chr4-1955105-T-C.
Other names: c.2192T>C, p.Val731Ala (NM_133330.3, NM_133331.3, NM_133335.4); short protein forms V731A.
Identifiers: ClinVar variation 1968144 (VCV001968144.5), dbSNP rs927209802, ClinGen allele CA91278892.